The following is an entry in ClinVar:

ClinVar aggregate classification (germline): Uncertain significance. Review status: criteria provided, multiple submitters, no conflicts (2 of 4 stars). 2 submissions from 2 submitters: Uncertain significance (2). Last evaluated 2024-04-29.

Conditions:
Familial adenomatous polyposis 1 (FAP1). Also called: POLYPOSIS, ADENOMATOUS INTESTINAL; FAMILIAL ADENOMATOUS POLYPOSIS 1, ATTENUATED. Identifiers: MedGen C2713442, MONDO:0021056, OMIM 175100. Disease mechanism: loss of function.
Hereditary cancer-predisposing syndrome. Also called: Neoplastic Syndromes, Hereditary; Tumor predisposition; Hereditary neoplastic syndrome; Hereditary Cancer Syndrome. Identifiers: Orphanet 140162, MedGen C0027672, MeSH D009386, MONDO:0015356.

Allele frequency attached by ClinVar (database versions not stated): gnomAD exomes below 0.00001.
gnomAD v4.1: 1 of 1,612,196 alleles (0.000062%); highest among the groups gnomAD compares: African/African-American, 0.0013%; no homozygotes.

Submissions (2):

Labcorp Genetics (formerly Invitae), Labcorp
Classification: Uncertain significance for Familial adenomatous polyposis 1. Last evaluated: 2024-04-29. Review status: criteria provided, single submitter. Criteria: Invitae Variant Classification Sherloc (09022015). Collection method: clinical testing. Allele origin: germline.
Comment: This sequence change replaces histidine, which is basic and polar, with tyrosine, which is neutral and polar, at codon 462 of the APC protein (p.His462Tyr). This variant is not present in population databases (gnomAD no frequency). This variant has not been reported in the literature in individuals affected with APC-related conditions. ClinVar contains an entry for this variant (Variation ID: 2452714). Advanced modeling of protein sequence and biophysical properties (such as structural, functional, and spatial information, amino acid conservation, physicochemical variation, residue mobility, and thermodynamic stability) performed at Invitae indicates that this missense variant is not expected to disrupt APC protein function with a negative predictive value of 95%. In summary, the available evidence is currently insufficient to determine the role of this variant in disease. Therefore, it has been classified as a Variant of Uncertain Significance.

Ambry Genetics
Classification: Uncertain significance for Hereditary cancer-predisposing syndrome. Last evaluated: 2022-12-30. Review status: criteria provided, single submitter. Criteria: Ambry Variant Classification Scheme 2023. Collection method: clinical testing. Allele origin: germline.
Comment: The p.H462Y variant (also known as c.1384C>T), located in coding exon 10 of the APC gene, results from a C to T substitution at nucleotide position 1384. The histidine at codon 462 is replaced by tyrosine, an amino acid with similar properties. This amino acid position is highly conserved in available vertebrate species. In addition, in silico predictors for this gene do not accurately predict pathogenicity. Since supporting evidence is limited at this time, the clinical significance of this alteration remains unclear.

NM_000038.6(APC):c.1384C>T (p.His462Tyr)

Gene: APC (APC regulator of Wnt signaling pathway; plus strand). Cytogenetic location: 5q22.2.
Variant type: single nucleotide variant.
Coding change: c.1384C>T on transcript NM_000038.6 (MANE Select); coding-DNA position 1384, C replaced by T.
Protein change: p.His462Tyr; replaces histidine 462 with tyrosine.
Molecular consequence: missense variant. On other transcripts: non-coding transcript variant (2).
Genome position (GRCh38, 1-based): chr5:112,821,967, C>T. VCF-style: chr5-112821967-C-T. GRCh37 (hg19) VCF-style: chr5-112157664-C-T.
Other names: c.1081C>T, p.His361Tyr (NM_001407455.1, NM_001407456.1, NM_001407457.1 and 5 more transcripts); c.535C>T, p.His179Tyr (NM_001407470.1, NM_001354906.2); c.232C>T, p.His78Tyr (NM_001407471.1, NM_001407472.1); c.997C>T, p.His333Tyr (NM_001407467.1, NM_001407469.1); c.1384C>T, p.His462Tyr (NM_001127510.3, NM_001354895.2, NM_001354896.2 and 4 more transcripts); c.1330C>T, p.His444Tyr (NM_001127511.3); c.1414C>T, p.His472Tyr (NM_001354897.2, NM_001407446.1); c.1309C>T, p.His437Tyr (NM_001354898.2, NM_001407451.1); and 5 more; short protein forms H371Y, H302Y, H336Y, H361Y, H403Y, H333Y, H437Y, H462Y.
Identifiers: ClinVar variation 2452714 (VCV002452714.5), dbSNP rs2149792579, ClinGen allele CA16024339.